The following is an entry in ClinVar:

ClinVar aggregate classification (germline): Uncertain significance (1 of 4 stars; one submission).

gnomAD v4.1: 159 of 1,614,070 alleles (0.0099%); highest among the groups gnomAD compares: Non-Finnish European, 0.0059%; no homozygotes.

Submission:

CeGaT Center for Human Genetics Tuebingen
Classification: Uncertain significance. Last evaluated: 2025-08-01. Review status: criteria provided, single submitter. Criteria: CeGaT Center For Human Genetics Tuebingen Variant Classification Criteria Version 2. Collection method: clinical testing. Allele origin: germline. Affected: yes. Observed: 1 variant allele.
Comment: FAT2: PP2, BP4

NM_001447.3(FAT2):c.7211T>C (p.Ile2404Thr)

Genes: FAT2 (FAT atypical cadherin 2; minus strand), SLC36A1 (solute carrier family 36 member 1; plus strand). Cytogenetic location: 5q33.1.
Variant type: single nucleotide variant.
Coding change: c.7211T>C on transcript NM_001447.3 (MANE Select); coding-DNA position 7211, T replaced by C.
Protein change: p.Ile2404Thr; replaces isoleucine 2404 with threonine.
Molecular consequence: missense variant.
Genome position (GRCh38, 1-based): chr5:151,543,916, A>G on the plus strand (T>C on the coding strand, the complement: FAT2 is on the minus strand). VCF-style: chr5-151543916-A-G. GRCh37 (hg19) VCF-style: chr5-150923477-A-G.
Other names: short protein forms I2404T.
Identifiers: ClinVar variation 4084574 (VCV004084574.8).